The following is an entry in ClinVar:

NM_000443.4(ABCB4):c.3350A>G (p.Gln1117Arg)

Gene: ABCB4 (ATP binding cassette subfamily B member 4; minus strand). Cytogenetic location: 7q21.12.
Variant type: single nucleotide variant.
Coding change: c.3350A>G on transcript NM_000443.4 (MANE Select); coding-DNA position 3350, A replaced by G.
Protein change: p.Gln1117Arg; replaces glutamine 1117 with arginine.
Molecular consequence: missense variant.
Genome position (GRCh38, 1-based): chr7:87,406,424, T>C on the plus strand (A>G on the coding strand, the complement: ABCB4 is on the minus strand). VCF-style: chr7-87406424-T-C. GRCh37 (hg19) VCF-style: chr7-87035740-T-C.
Other names: c.3371A>G, p.Gln1124Arg (NM_018849.3); c.3209A>G, p.Gln1070Arg (NM_018850.3); short protein forms Q1070R, Q1124R, Q1117R.
Identifiers: ClinVar variation 2734065 (VCV002734065.3), dbSNP rs2546746620, ClinGen allele CA368058404.

ClinVar aggregate classification (germline): Uncertain significance (1 of 4 stars; one submission).

Submission:

Labcorp Genetics (formerly Invitae), Labcorp
Classification: Uncertain significance. Last evaluated: 2023-06-30. Review status: criteria provided, single submitter. Criteria: Invitae Variant Classification Sherloc (09022015). Collection method: clinical testing. Allele origin: germline.
Comment: This sequence change replaces glutamine, which is neutral and polar, with arginine, which is basic and polar, at codon 1117 of the ABCB4 protein (p.Gln1117Arg). This variant is not present in population databases (gnomAD no frequency). This variant has not been reported in the literature in individuals affected with ABCB4-related conditions. Advanced modeling of protein sequence and biophysical properties (such as structural, functional, and spatial information, amino acid conservation, physicochemical variation, residue mobility, and thermodynamic stability) has been performed at Invitae for this missense variant, however the output from this modeling did not meet the statistical confidence thresholds required to predict the impact of this variant on ABCB4 protein function. In summary, the available evidence is currently insufficient to determine the role of this variant in disease. Therefore, it has been classified as a Variant of Uncertain Significance.